The following is an entry in ClinVar:

NM_020738.4(KIDINS220):c.2635A>G (p.Arg879Gly)

Gene: KIDINS220 (kinase D interacting substrate 220; minus strand). Cytogenetic location: 2p25.1.
Variant type: single nucleotide variant.
Coding change: c.2635A>G on transcript NM_020738.4 (MANE Select); coding-DNA position 2635, A replaced by G.
Protein change: p.Arg879Gly; replaces arginine 879 with glycine.
Molecular consequence: missense variant. On other transcripts: non-coding transcript variant (2).
Genome position (GRCh38, 1-based): chr2:8,778,707, T>C on the plus strand (A>G on the coding strand, the complement: KIDINS220 is on the minus strand). VCF-style: chr2-8778707-T-C. GRCh37 (hg19) VCF-style: chr2-8918837-T-C.
Other names: c.2638A>G, p.Arg880Gly (NM_001348729.2, NM_001348731.2, NM_001348734.2 and 3 more transcripts); c.2635A>G, p.Arg879Gly (NM_001348732.2, NM_001348735.2, NM_001348738.2 and 3 more transcripts); c.2509A>G, p.Arg837Gly (NM_001348736.2); short protein forms R837G, R880G, R879G.
Identifiers: ClinVar variation 4995299 (VCV004995299.1).

ClinVar aggregate classification (germline): Uncertain significance (1 of 4 stars; one submission).

Conditions:
KIDINS220-related disorder. Also called: KIDINS220-related condition.

gnomAD v4.1: 7 of 1,614,130 alleles (0.00043%); highest among the groups gnomAD compares: Non-Finnish European, 0.00059%; no homozygotes.

Submission:

PreventionGenetics, part of Exact Sciences
Classification: Uncertain significance for KIDINS220-related condition. Last evaluated: 2026-04-21. Review status: criteria provided, single submitter. Criteria: ACMG Guidelines, 2015. Collection method: clinical testing. Allele origin: germline.
Comment: The KIDINS220 c.2635A>G variant is predicted to result in the amino acid substitution p.Arg879Gly. This variant has not been reported in a large population database (gnomAD), indicating this variant is rare. At this time, the clinical significance of this variant is uncertain due to the absence of conclusive functional and genetic evidence.